The following is an entry in ClinVar:

NM_001370259.2(MEN1):c.590C>T (p.Thr197Ile)

Gene: MEN1 (menin 1; minus strand). Cytogenetic location: 11q13.1.
Variant type: single nucleotide variant.
Coding change: c.590C>T on transcript NM_001370259.2 (MANE Select); coding-DNA position 590, C replaced by T.
Protein change: p.Thr197Ile; replaces threonine 197 with isoleucine.
Molecular consequence: missense variant. On other transcripts: intron variant (2).
Genome position (GRCh38, 1-based): chr11:64,807,955, G>A on the plus strand (C>T on the coding strand, the complement: MEN1 is on the minus strand). VCF-style: chr11-64807955-G-A. GRCh37 (hg19) VCF-style: chr11-64575427-G-A.
Other names: c.605C>T, p.Thr202Ile (NM_000244.4, NM_130800.3, NM_130801.3 and 3 more transcripts); c.590C>T, p.Thr197Ile (NM_001370251.2, NM_001370260.2, NM_001370261.2 and 1 more transcripts); c.549+41C>T (NM_001370263.2, NM_001370262.2); short protein forms T197I, T202I.
Identifiers: ClinVar variation 640940 (VCV000640940.11), dbSNP rs1592650893, ClinGen allele CA381185553.

ClinVar aggregate classification (germline): Uncertain significance. Review status: criteria provided, multiple submitters, no conflicts (2 of 4 stars). 2 submissions from 2 submitters: Uncertain significance (2). Last evaluated 2026-04-22.

Conditions:
Hereditary cancer-predisposing syndrome. Also called: Tumor predisposition; Hereditary Cancer Syndrome; Neoplastic Syndromes, Hereditary; Hereditary neoplastic syndrome. Identifiers: Orphanet 140162, MedGen C0027672, MeSH D009386, MONDO:0015356.
Multiple endocrine neoplasia, type 1 (MEN1). Also called: MEA I; MEN I; WERMER SYNDROME; Endocrine adenomatosis multiple; MEN 1. Identifiers: Orphanet 652, MedGen C0025267, MeSH D018761, MONDO:0007540, OMIM 131100.

Allele frequency attached by ClinVar (database versions not stated): gnomAD exomes below 0.00001.

Submissions (2):

Ambry Genetics
Classification: Uncertain significance for Hereditary cancer-predisposing syndrome. Last evaluated: 2026-04-22. Review status: criteria provided, single submitter. Criteria: Ambry Variant Classification Scheme 2023. Collection method: clinical testing. Allele origin: germline.
Comment: The p.T197I variant (also known as c.590C>T), located in coding exon 2 of the MEN1 gene, results from a C to T substitution at nucleotide position 590. The threonine at codon 197 is replaced by isoleucine, an amino acid with similar properties. This variant was reported in individual(s) with features consistent with multiple endocrine neoplasia type 1 (Cardinal JW et al. J Med Genet, 2005 Jan;42:69-74). This amino acid position is highly conserved in available vertebrate species. In addition, this alteration is predicted to be deleterious by in silico analysis. Based on the available evidence, the clinical significance of this variant remains unclear.

Labcorp Genetics (formerly Invitae), Labcorp
Classification: Uncertain significance for Multiple endocrine neoplasia, type 1. Last evaluated: 2018-08-06. Review status: criteria provided, single submitter. Criteria: Invitae Variant Classification Sherloc (09022015). Collection method: clinical testing. Allele origin: germline.
Comment: This sequence change replaces threonine with isoleucine at codon 197 of the MEN1 protein (p.Thr197Ile). The threonine residue is highly conserved and there is a moderate physicochemical difference between threonine and isoleucine. This variant is not present in population databases (ExAC no frequency). This variant has been observed an individuals affected with affected with familial and sporadic isolated hyperparathyroidism (PMID: 14985373, 17065424). This variant is also reported as c.700C>T in the literature. Experimental studies have shown that this missense change has little to no effect on MEN1 protein expression in vitro (PMID: 21819486). In summary, the available evidence is currently insufficient to determine the role of this variant in disease. Therefore, it has been classified as a Variant of Uncertain Significance.

Literature cited by the submitters: PubMed 14985373 (cited by Ambry Genetics and Labcorp Genetics (formerly Invitae), Labcorp); PubMed 15635078 (cited by Ambry Genetics); PubMed 21819486 (cited by Ambry Genetics and Labcorp Genetics (formerly Invitae), Labcorp); PubMed 17065424 (cited by Labcorp Genetics (formerly Invitae), Labcorp).